The following is an entry in ClinVar:

NM_020702.5(MYORG):c.238G>T (p.Val80Phe)

Gene: MYORG (myogenesis regulating glycosidase; minus strand). Cytogenetic location: 9p13.3.
Variant type: single nucleotide variant.
Coding change: c.238G>T on transcript NM_020702.5 (MANE Select); coding-DNA position 238, G replaced by T.
Protein change: p.Val80Phe; replaces valine 80 with phenylalanine.
Molecular consequence: missense variant.
Genome position (GRCh38, 1-based): chr9:34,372,706, C>A on the plus strand (G>T on the coding strand, the complement: MYORG is on the minus strand). VCF-style: chr9-34372706-C-A. GRCh37 (hg19) VCF-style: chr9-34372704-C-A.
Other names: short protein forms V80F.
Identifiers: ClinVar variation 1681326 (VCV001681326.4), dbSNP rs749415302, ClinGen allele CA5033204.

ClinVar aggregate classification (germline): Uncertain significance (1 of 4 stars; one submission).

Allele frequency attached by ClinVar (database versions not stated): gnomAD 0.00002; ExAC 0.00003; gnomAD exomes 0.00003.

Submission:

Labcorp Genetics (formerly Invitae), Labcorp
Classification: Uncertain significance. Last evaluated: 2023-07-14. Review status: criteria provided, single submitter. Criteria: Invitae Variant Classification Sherloc (09022015). Collection method: clinical testing. Allele origin: germline.
Comment: This sequence change replaces valine, which is neutral and non-polar, with phenylalanine, which is neutral and non-polar, at codon 80 of the KIAA1161 protein (p.Val80Phe). This variant is present in population databases (rs749415302, gnomAD 0.006%). This variant has not been reported in the literature in individuals affected with KIAA1161-related conditions. ClinVar contains an entry for this variant (Variation ID: 1681326). Experimental studies and prediction algorithms are not available or were not evaluated, and the functional significance of this variant is currently unknown. In summary, the available evidence is currently insufficient to determine the role of this variant in disease. Therefore, it has been classified as a Variant of Uncertain Significance.